The following is an entry in ClinVar:

ClinVar aggregate classification (germline): Uncertain significance (1 of 4 stars; one submission).

Conditions:
Severe combined immunodeficiency, autosomal recessive, T cell-negative, B cell-negative, NK cell-positive. Also called: SCID, T CELL-NEGATIVE, B CELL-NEGATIVE, NK CELL-POSITIVE; Severe combined immunodeficiency due to complete RAG1/2 deficiency; SCID, AR, T-cell negative, B-cell negative, NK cell-positive. Identifiers: Orphanet 331206, MedGen C1832322, MONDO:0011086, OMIM 601457.
Combined immunodeficiency with skin granulomas. Identifiers: Orphanet 157949, MedGen C2673536, MONDO:0009306, OMIM 233650.

Allele frequency attached by ClinVar (database versions not stated): gnomAD 0.00001; ExAC 0.00004; TOPMed 0.00005; gnomAD exomes 0.00006; ESP Exome Variant Server 0.00008.

Submission:

Labcorp Genetics (formerly Invitae), Labcorp
Classification: Uncertain significance for Combined immunodeficiency with skin granulomas; Severe combined immunodeficiency, autosomal recessive, T cell-negative, B cell-negative, NK cell-positive. Last evaluated: 2022-08-09. Review status: criteria provided, single submitter. Criteria: Invitae Variant Classification Sherloc (09022015). Collection method: clinical testing. Allele origin: germline.
Comment: This sequence change replaces valine, which is neutral and non-polar, with alanine, which is neutral and non-polar, at codon 65 of the RAG1 protein (p.Val65Ala). This variant is present in population databases (rs143654819, gnomAD 0.01%). This variant has not been reported in the literature in individuals affected with RAG1-related conditions. ClinVar contains an entry for this variant (Variation ID: 1051848). Advanced modeling of protein sequence and biophysical properties (such as structural, functional, and spatial information, amino acid conservation, physicochemical variation, residue mobility, and thermodynamic stability) performed at Invitae indicates that this missense variant is not expected to disrupt RAG1 protein function. In summary, the available evidence is currently insufficient to determine the role of this variant in disease. Therefore, it has been classified as a Variant of Uncertain Significance.

NM_000448.3(RAG1):c.194T>C (p.Val65Ala)

Gene: RAG1 (recombination activating 1; plus strand). Cytogenetic location: 11p12.
Variant type: single nucleotide variant.
Coding change: c.194T>C on transcript NM_000448.3 (MANE Select); coding-DNA position 194, T replaced by C.
Protein change: p.Val65Ala; replaces valine 65 with alanine.
Molecular consequence: missense variant.
Genome position (GRCh38, 1-based): chr11:36,573,498, T>C. VCF-style: chr11-36573498-T-C. GRCh37 (hg19) VCF-style: chr11-36595048-T-C.
Other names: c.194T>C, p.Val65Ala (NM_001377277.1, NM_001377278.1, NM_001377279.1 and 1 more transcripts); short protein forms V65A.
Identifiers: ClinVar variation 1051848 (VCV001051848.4), dbSNP rs143654819, ClinGen allele CA5949922.